The following is an entry in ClinVar:

ClinVar aggregate classification (germline): Uncertain significance (1 of 4 stars; one submission).

Conditions:
Ataxia-telangiectasia syndrome (AT). Also called: Cerebello-oculocutaneous telangiectasia; Immunodeficiency with ataxia telangiectasia; AT, COMPLEMENTATION GROUP C; ATAXIA-TELANGIECTASIA, COMPLEMENTATION GROUP A; ATAXIA-TELANGIECTASIA, FRESNO VARIANT; LOUIS-BAR SYNDROME. Identifiers: Orphanet 100, MedGen C0004135, MONDO:0008840, OMIM 208900.

Submission:

Labcorp Genetics (formerly Invitae), Labcorp
Classification: Uncertain significance for Ataxia-telangiectasia syndrome. Last evaluated: 2021-07-06. Review status: criteria provided, single submitter. Criteria: Invitae Variant Classification Sherloc (09022015). Collection method: clinical testing. Allele origin: germline.
Comment: This variant is not present in population databases (ExAC no frequency). This sequence change falls in intron 31 of the ATM gene. It does not directly change the encoded amino acid sequence of the ATM protein. It affects a nucleotide within the consensus splice site of the intron. This variant has not been reported in the literature in individuals affected with ATM-related conditions. Nucleotide substitutions within the consensus splice site are a relatively common cause of aberrant splicing (PMID: 17576681, 9536098). Algorithms developed to predict the effect of sequence changes on RNA splicing suggest that this variant is not likely to affect RNA splicing. In summary, the available evidence is currently insufficient to determine the role of this variant in disease. Therefore, it has been classified as a Variant of Uncertain Significance.

Literature cited by the submitters: PubMed 17576681; PubMed 9536098.

NM_000051.4(ATM):c.4776+6A>C

Gene: ATM (ATM serine/threonine kinase; plus strand). Cytogenetic location: 11q22.3.
Variant type: single nucleotide variant.
Coding change: c.4776+6A>C on transcript NM_000051.4 (MANE Select); 6 bases into the intron after coding-DNA position 4776, A replaced by C.
Molecular consequence: intron variant.
Genome position (GRCh38, 1-based): chr11:108,293,483, A>C. VCF-style: chr11-108293483-A-C. GRCh37 (hg19) VCF-style: chr11-108164210-A-C.
Other names: c.4776+6A>C (NM_001351834.2).
Identifiers: ClinVar variation 1503947 (VCV001503947.6), dbSNP rs1348555180, ClinGen allele CA2573146700.